The following is an entry in ClinVar:

ClinVar aggregate classification (germline): Pathogenic (1 of 4 stars; one submission).

Conditions:
Episodic ataxia type 2 (EA2). Also called: ATAXIA, EPISODIC, WITH NYSTAGMUS; ATAXIA, FAMILIAL PAROXYSMAL; CEREBELLAR ATAXIA, PAROXYSMAL, ACETAZOLAMIDE-RESPONSIVE; CEREBELLOPATHY, HEREDITARY PAROXYSMAL; EPISODIC ATAXIA, NYSTAGMUS-ASSOCIATED; ACETAZOLAMIDE-RESPONSIVE HEREDITARY PAROXYSMAL CEREBELLAR ATAXIA. Identifiers: Orphanet 97, MedGen C1720416, MONDO:0007163, OMIM 108500.
Developmental and epileptic encephalopathy, 42 (DEE42A). Also called: DEVELOPMENTAL AND EPILEPTIC ENCEPHALOPATHY 42A; EPILEPTIC ENCEPHALOPATHY, EARLY INFANTILE, 42A; Epileptic encephalopathy, early infantile, 42. Identifiers: MedGen C4310716, MONDO:0014917, OMIM 617106.

Submission:

Labcorp Genetics (formerly Invitae), Labcorp
Classification: Pathogenic for Developmental and epileptic encephalopathy, 42; Episodic ataxia type 2. Last evaluated: 2021-04-06. Review status: criteria provided, single submitter. Criteria: Invitae Variant Classification Sherloc (09022015). Collection method: clinical testing. Allele origin: germline.
Comment: For these reasons, this variant has been classified as Pathogenic. This variant has not been reported in the literature in individuals with CACNA1A-related conditions. This variant is a gross deletion of the genomic region encompassing exon(s) 1-11 of the CACNA1A gene, which includes the initiator codon. The 5' end of this event is unknown as it extends beyond the assayed region for this gene and therefore may encompass additional genes. The 3' boundary is likely confined to intron 11 of the CACNA1A gene. It is expected to result in an absent or disrupted protein product. Loss-of-function variants in CACNA1A are known to be pathogenic (PMID: 10371528, 19486177, 25735478, 27250579).

Literature cited by the submitters: PubMed 10371528; PubMed 19486177; PubMed 25735478; PubMed 27250579.

NC_000019.9:g.(?_13427906)_(13617038_?)del

Gene: CACNA1A (calcium voltage-gated channel subunit alpha1 A; minus strand). Cytogenetic location: 19p13.2.
Variant type: Deletion.
Identifiers: ClinVar variation 1366064 (VCV001366064.6).